The following is an entry in ClinVar:

NM_000268.4(NF2):c.328G>C (p.Val110Leu)

Gene: NF2 (NF2, moesin-ezrin-radixin like (MERLIN) tumor suppressor; plus strand). Cytogenetic location: 22q12.2.
Variant type: single nucleotide variant.
Coding change: c.328G>C on transcript NM_000268.4 (MANE Select); coding-DNA position 328, G replaced by C.
Protein change: p.Val110Leu; replaces valine 110 with leucine.
Molecular consequence: missense variant. On other transcripts: non-coding transcript variant (1), intron variant (3).
Genome position (GRCh38, 1-based): chr22:29,639,177, G>C. VCF-style: chr22-29639177-G-C. GRCh37 (hg19) VCF-style: chr22-30035166-G-C.
Other names: c.328G>C, p.Val110Leu (NM_016418.5, NM_181825.3, NM_181832.3 and 1 more transcripts); c.202G>C, p.Val68Leu (NM_181828.3); c.240+2301G>C (NM_181829.3); c.115-3025G>C (NM_181830.3, NM_181831.3); short protein forms V110L, V68L.
Identifiers: ClinVar variation 666135 (VCV000666135.13), dbSNP rs1601583759, ClinGen allele CA411153319.

ClinVar aggregate classification (germline): Uncertain significance. Review status: criteria provided, multiple submitters, no conflicts (2 of 4 stars). 4 submissions from 4 submitters: Uncertain significance (4). Last evaluated 2024-06-18.

Conditions:
Familial meningioma. Also called: Meningioma, familial, susceptibility to. Identifiers: Orphanet 263662, MedGen C3551915, MONDO:0011789, OMIM 607174.
Neurofibromatosis, type 2 (SWNV). Also called: BILATERAL ACOUSTIC NEUROFIBROMATOSIS; NF2-Related Schwannomatosis; SCHWANNOMATOSIS, VESTIBULAR. Identifiers: Orphanet 637, MedGen C0027832, MONDO:0007039, OMIM 101000. Disease mechanism: loss of function.
Hereditary cancer-predisposing syndrome. Also called: Neoplastic Syndromes, Hereditary; Hereditary Cancer Syndrome; Tumor predisposition; Hereditary neoplastic syndrome. Identifiers: Orphanet 140162, MedGen C0027672, MeSH D009386, MONDO:0015356.

Allele frequency attached by ClinVar (database versions not stated): gnomAD exomes below 0.00001.

Submissions (4):

Fulgent Genetics
Classification: Uncertain significance for Neurofibromatosis, type 2; Familial meningioma. Last evaluated: 2024-06-18. Review status: criteria provided, single submitter. Criteria: ACMG Guidelines, 2015. Collection method: clinical testing. Allele origin: germline.

Blueprint Genetics
Classification: Uncertain significance. Last evaluated: 2023-12-27. Review status: criteria provided, single submitter. Criteria: ACMG Guidelines, 2015. Collection method: clinical testing. Allele origin: germline.

Labcorp Genetics (formerly Invitae), Labcorp
Classification: Uncertain significance for Neurofibromatosis, type 2. Last evaluated: 2023-09-11. Review status: criteria provided, single submitter. Criteria: Invitae Variant Classification Sherloc (09022015). Collection method: clinical testing. Allele origin: germline.
Comment: In summary, the available evidence is currently insufficient to determine the role of this variant in disease. Therefore, it has been classified as a Variant of Uncertain Significance. Advanced modeling of protein sequence and biophysical properties (such as structural, functional, and spatial information, amino acid conservation, physicochemical variation, residue mobility, and thermodynamic stability) performed at Invitae indicates that this missense variant is not expected to disrupt NF2 protein function. ClinVar contains an entry for this variant (Variation ID: 666135). This variant has not been reported in the literature in individuals affected with NF2-related conditions. This variant is not present in population databases (gnomAD no frequency). This sequence change replaces valine, which is neutral and non-polar, with leucine, which is neutral and non-polar, at codon 110 of the NF2 protein (p.Val110Leu).

Ambry Genetics
Classification: Uncertain significance for Hereditary cancer-predisposing syndrome. Last evaluated: 2021-06-08. Review status: criteria provided, single submitter. Criteria: Ambry Variant Classification Scheme 2023. Collection method: clinical testing. Allele origin: germline.
Comment: The p.V110L variant (also known as c.328G>C), located in coding exon 3 of the NF2 gene, results from a G to C substitution at nucleotide position 328. The valine at codon 110 is replaced by leucine, an amino acid with highly similar properties. This amino acid position is well conserved in available vertebrate species. In addition, this alteration is predicted to be tolerated by in silico analysis. Since supporting evidence is limited at this time, the clinical significance of this alteration remains unclear.